The following is an entry in ClinVar:

ClinVar aggregate classification (germline): Uncertain significance. Review status: criteria provided, multiple submitters, no conflicts (2 of 4 stars). 2 submissions from 2 submitters: Uncertain significance (2). Last evaluated 2025-02-19.

Conditions:
Hereditary cancer-predisposing syndrome. Also called: Hereditary Cancer Syndrome; Neoplastic Syndromes, Hereditary; Tumor predisposition; Hereditary neoplastic syndrome. Identifiers: Orphanet 140162, MedGen C0027672, MeSH D009386, MONDO:0015356.

Submissions (2):

Ambry Genetics
Classification: Uncertain significance for Hereditary cancer-predisposing syndrome. Last evaluated: 2025-02-19. Review status: criteria provided, single submitter. Criteria: Ambry Variant Classification Scheme 2023. Collection method: clinical testing. Allele origin: germline.
Comment: The p.G805R variant (also known as c.2413G>C), located in coding exon 16 of the CTNNA1 gene, results from a G to C substitution at nucleotide position 2413. The glycine at codon 805 is replaced by arginine, an amino acid with dissimilar properties. This amino acid position is highly conserved in available vertebrate species. In addition, the in silico prediction for this alteration is inconclusive. Based on the available evidence, the clinical significance of this variant remains unclear.

Labcorp Genetics (formerly Invitae), Labcorp
Classification: Uncertain significance. Last evaluated: 2023-12-25. Review status: criteria provided, single submitter. Criteria: Invitae Variant Classification Sherloc (09022015). Collection method: clinical testing. Allele origin: germline.
Comment: This sequence change replaces glycine, which is neutral and non-polar, with arginine, which is basic and polar, at codon 805 of the CTNNA1 protein (p.Gly805Arg). This variant is not present in population databases (gnomAD no frequency). This variant has not been reported in the literature in individuals affected with CTNNA1-related conditions. ClinVar contains an entry for this variant (Variation ID: 1023500). An algorithm developed to predict the effect of missense changes on protein structure and function (PolyPhen-2) suggests that this variant is likely to be disruptive. In summary, the available evidence is currently insufficient to determine the role of this variant in disease. Therefore, it has been classified as a Variant of Uncertain Significance.

NM_001903.5(CTNNA1):c.2413G>C (p.Gly805Arg)

Gene: CTNNA1 (catenin alpha 1; plus strand). Cytogenetic location: 5q31.2.
Variant type: single nucleotide variant.
Coding change: c.2413G>C on transcript NM_001903.5 (MANE Select); coding-DNA position 2413, G replaced by C.
Protein change: p.Gly805Arg; replaces glycine 805 with arginine.
Molecular consequence: missense variant. On other transcripts: intron variant (1).
Genome position (GRCh38, 1-based): chr5:138,932,692, G>C. VCF-style: chr5-138932692-G-C. GRCh37 (hg19) VCF-style: chr5-138268381-G-C.
Other names: c.2413G>C (NM_001903.2); c.2413G>C, p.Gly805Arg (NM_001290307.3, NM_001323982.2, NM_001323983.1 and 2 more transcripts); c.2104G>C, p.Gly702Arg (NM_001290309.3); c.2044G>C, p.Gly682Arg (NM_001290310.3); c.1303G>C, p.Gly435Arg (NM_001290312.1, NM_001323987.1, NM_001323988.1 and 16 more transcripts); c.2320G>C, p.Gly774Arg (NM_001323986.2); c.964G>C, p.Gly322Arg (NM_001324006.1, NM_001324007.1, NM_001324008.1 and 2 more transcripts); c.1210G>C, p.Gly404Arg (NM_001324011.1); and 2 more; short protein forms G322R, G354R, G404R, G435R, G682R, G702R, G774R, G805R.
Identifiers: ClinVar variation 1023500 (VCV001023500.9), dbSNP rs1297469358, ClinGen allele CA361134532.